The following is an entry in ClinVar:

NM_000384.3(APOB):c.11218C>T (p.Leu3740=)

Gene: APOB (apolipoprotein B; minus strand). Cytogenetic location: 2p24.1.
Variant type: single nucleotide variant.
Coding change: c.11218C>T on transcript NM_000384.3 (MANE Select); coding-DNA position 11218, C replaced by T.
Protein change: p.Leu3740=; no amino-acid change (leucine 3740 retained).
Molecular consequence: synonymous variant.
Genome position (GRCh38, 1-based): chr2:21,005,650, G>A on the plus strand (C>T on the coding strand, the complement: APOB is on the minus strand). VCF-style: chr2-21005650-G-A. GRCh37 (hg19) VCF-style: chr2-21228522-G-A.
Identifiers: ClinVar variation 3392999 (VCV003392999.1).

ClinVar aggregate classification (germline): Likely benign (1 of 4 stars; one submission).

Conditions:
Familial hypercholesterolemia. Also called: Familial hypercholesterolaemia. Identifiers: MedGen C0020445, MONDO:0005439.

Submission:

GENinCode PLC
Classification: Likely benign for Familial hypercholesterolemia. Last evaluated: 2023-06-10. Review status: criteria provided, single submitter. Criteria: ACMG Guidelines, 2015. Collection method: clinical testing. Allele origin: germline.
Comment: This is a synonymous (silent) variant that is not predicted by SpliceAI to impact splicing. In addition, it occurs at a nucleotide that is not conserved. Therefore this variant has been classified as Likely Benign (BP4, BP7).